The following is an entry in ClinVar:

NM_006005.3(WFS1):c.938A>C (p.His313Pro)

Gene: WFS1 (wolframin ER transmembrane glycoprotein; plus strand). Cytogenetic location: 4p16.1.
Variant type: single nucleotide variant.
Coding change: c.938A>C on transcript NM_006005.3 (MANE Select); coding-DNA position 938, A replaced by C.
Protein change: p.His313Pro; replaces histidine 313 with proline.
Molecular consequence: missense variant.
Genome position (GRCh38, 1-based): chr4:6,300,733, A>C. VCF-style: chr4-6300733-A-C. GRCh37 (hg19) VCF-style: chr4-6302460-A-C.
Other names: c.938A>C, p.His313Pro (NM_001145853.1); short protein forms H313P.
Identifiers: ClinVar variation 1707064 (VCV001707064.8), dbSNP rs2474192120, ClinGen allele CA356173922.

ClinVar aggregate classification (germline): Uncertain significance. Review status: criteria provided, multiple submitters, no conflicts (2 of 4 stars). 3 submissions from 3 submitters: Uncertain significance (2). 1 of the submissions does not count toward it. Last evaluated 2022-04-01.

Conditions:
WFS1-related disorder. Identifiers: MedGen CN379391, MONDO:0700293.

Allele frequency attached by ClinVar (database versions not stated): gnomAD exomes below 0.00001.
gnomAD v4.1: 1 of 1,614,036 alleles (0.000062%); highest among the groups gnomAD compares: Admixed American, 0.0017%; no homozygotes.

Submissions (3):

Labcorp Genetics (formerly Invitae), Labcorp
Classification: Uncertain significance. Last evaluated: 2022-04-01. Review status: criteria provided, single submitter. Criteria: Invitae Variant Classification Sherloc (09022015). Collection method: clinical testing. Allele origin: germline.
Comment: This sequence change replaces histidine, which is basic and polar, with proline, which is neutral and non-polar, at codon 313 of the WFS1 protein (p.His313Pro). This variant is not present in population databases (gnomAD no frequency). This variant has not been reported in the literature in individuals affected with WFS1-related conditions. Advanced modeling of protein sequence and biophysical properties (such as structural, functional, and spatial information, amino acid conservation, physicochemical variation, residue mobility, and thermodynamic stability) performed at Invitae indicates that this missense variant is not expected to disrupt WFS1 protein function. This variant disrupts the p.His313 amino acid residue in WFS1. Other variant(s) that disrupt this residue have been determined to be pathogenic (PMID: 16151413, 28468959, 31391115). This suggests that this residue is clinically significant, and that variants that disrupt this residue are likely to be disease-causing. In summary, the available evidence is currently insufficient to determine the role of this variant in disease. Therefore, it has been classified as a Variant of Uncertain Significance.

GeneDx
Classification: Uncertain significance. Last evaluated: 2022-03-23. Review status: criteria provided, single submitter. Criteria: GeneDx Variant Classification Process June 2021. Collection method: clinical testing. Allele origin: germline. Affected: yes.
Comment: Not observed at significant frequency in large population cohorts (gnomAD); In silico analysis supports that this missense variant does not alter protein structure/function; Has not been previously published as pathogenic or benign to our knowledge

PreventionGenetics, part of Exact Sciences
Classification: Uncertain significance for WFS1-related condition. Last evaluated: 2024-09-24. Review status: no assertion criteria provided. Collection method: clinical testing. Allele origin: germline. Not counted in ClinVar's aggregate classification.
Comment: The WFS1 c.938A>C variant is predicted to result in the amino acid substitution p.His313Pro. To our knowledge, this variant has not been reported in the literature or in a large population database, indicating this variant is rare. A different substitution affecting the same amino acid (p.His313Tyr) has been reported to have arise de novo in patients with Wolfram syndrome (De Franco et al. 2017. PubMed ID: 28468959). At this time, the clinical significance of this variant is uncertain due to the absence of conclusive functional and genetic evidence.

Literature cited by the submitters: PubMed 16151413 (cited by Labcorp Genetics (formerly Invitae), Labcorp); PubMed 28468959 (cited by Labcorp Genetics (formerly Invitae), Labcorp); PubMed 31391115 (cited by Labcorp Genetics (formerly Invitae), Labcorp).